The following is an entry in ClinVar:

NM_000088.4(COL1A1):c.4141A>G (p.Thr1381Ala)

Gene: COL1A1 (collagen type I alpha 1 chain; minus strand). Cytogenetic location: 17q21.33.
Variant type: single nucleotide variant.
Coding change: c.4141A>G on transcript NM_000088.4 (MANE Select); coding-DNA position 4141, A replaced by G.
Protein change: p.Thr1381Ala; replaces threonine 1381 with alanine.
Molecular consequence: missense variant.
Genome position (GRCh38, 1-based): chr17:50,185,885, T>C on the plus strand (A>G on the coding strand, the complement: COL1A1 is on the minus strand). VCF-style: chr17-50185885-T-C. GRCh37 (hg19) VCF-style: chr17-48263246-T-C.
Other names: short protein forms T1381A.
Identifiers: ClinVar variation 1306911 (VCV001306911.3), dbSNP rs756188663, ClinGen allele CA291542797.

ClinVar aggregate classification (germline): Uncertain significance. Review status: criteria provided, multiple submitters, no conflicts (2 of 4 stars). 2 submissions from 2 submitters: Uncertain significance (2). Last evaluated 2024-05-21.

Allele frequency attached by ClinVar (database versions not stated): gnomAD exomes below 0.00001 and 0.00003; TOPMed below 0.00001.
gnomAD v4.1: 49 of 1,614,106 alleles (0.003%); highest among the groups gnomAD compares: Non-Finnish European, 0.0042%; no homozygotes.

Submissions (2):

ARUP Laboratories, Molecular Genetics and Genomics, ARUP Laboratories
Classification: Uncertain significance. Last evaluated: 2024-05-21. Review status: criteria provided, single submitter. Criteria: ARUP Molecular Germline Variant Investigation Process 2024. Collection method: clinical testing. Allele origin: germline.
Comment: The COL1A1 c.4141A>G; p.Thr1381Ala variant (rs756188663), to our knowledge, is not reported in the medical literature but is reported in ClinVar (Variation ID: 1306911). This variant is only observed on one allele in the Genome Aggregation Database (v2.1.1), indicating it is not a common polymorphism. Computational analyses are uncertain whether this variant is neutral or deleterious (REVEL: 0.447). Due to limited information, the clinical significance of this variant is uncertain at this time.

GeneDx
Classification: Uncertain significance. Last evaluated: 2019-07-02. Review status: criteria provided, single submitter. Criteria: GeneDx Variant Classification Process June 2021. Collection method: clinical testing. Allele origin: germline. Affected: yes.
Comment: Has not been previously published as pathogenic or benign to our knowledge; Not observed at a significant frequency in large population cohorts (Lek et al., 2016); In silico analysis, which includes protein predictors and evolutionary conservation, supports a deleterious effect; Not located in the triple helical region, where the majority of pathogenic missense variants occur (Stenson et al., 2014)